The following is an entry in ClinVar:

ClinVar aggregate classification (germline): Uncertain significance. Review status: criteria provided, single submitter (1 of 4 stars). 2 submissions from 2 submitters: Uncertain significance (1). 1 of the submissions does not count toward it. Last evaluated 2023-12-03.

Conditions:
Meniere disease. Also called: Ménière's disease. Identifiers: MedGen C0025281, MONDO:0007972, OMIM 156000.

Allele frequency attached by ClinVar (database versions not stated): gnomAD exomes 0.00001; ExAC 0.00002; gnomAD 0.00002.
gnomAD v4.1: 12 of 1,613,748 alleles (0.00074%); highest among the groups gnomAD compares: Non-Finnish European, 0.001%; no homozygotes.

Submissions (2):

Labcorp Genetics (formerly Invitae), Labcorp
Classification: Uncertain significance. Last evaluated: 2023-12-03. Review status: criteria provided, single submitter. Criteria: Invitae Variant Classification Sherloc (09022015). Collection method: clinical testing. Allele origin: germline.
Comment: This sequence change replaces serine, which is neutral and polar, with phenylalanine, which is neutral and non-polar, at codon 1933 of the MYH14 protein (p.Ser1933Phe). This variant is present in population databases (rs774041150, gnomAD 0.004%). This variant has not been reported in the literature in individuals affected with MYH14-related conditions. Advanced modeling of protein sequence and biophysical properties (such as structural, functional, and spatial information, amino acid conservation, physicochemical variation, residue mobility, and thermodynamic stability) has been performed at Invitae for this missense variant, however the output from this modeling did not meet the statistical confidence thresholds required to predict the impact of this variant on MYH14 protein function. In summary, the available evidence is currently insufficient to determine the role of this variant in disease. Therefore, it has been classified as a Variant of Uncertain Significance.

Center for Computational Biology & Bioinformatics, University of California, San Diego
Classification: Uncertain significance for Meniere disease. Last evaluated: 2024-06-03. Review status: no assertion criteria provided. Collection method: research. Allele origin: germline. Affected: yes. Not counted in ClinVar's aggregate classification.

NM_001145809.2(MYH14):c.5921C>T (p.Ser1974Phe)

Gene: MYH14 (myosin heavy chain 14; plus strand). Cytogenetic location: 19q13.33.
Variant type: single nucleotide variant.
Coding change: c.5921C>T on transcript NM_001145809.2 (MANE Select); coding-DNA position 5921, C replaced by T.
Protein change: p.Ser1974Phe; replaces serine 1974 with phenylalanine.
Molecular consequence: missense variant.
Genome position (GRCh38, 1-based): chr19:50,309,138, C>T. VCF-style: chr19-50309138-C-T. GRCh37 (hg19) VCF-style: chr19-50812395-C-T.
Other names: c.5822C>T, p.Ser1941Phe (NM_001077186.2); c.5798C>T, p.Ser1933Phe (NM_024729.4); short protein forms S1933F, S1974F, S1941F.
Identifiers: ClinVar variation 2979330 (VCV002979330.4), dbSNP rs774041150, ClinGen allele CA9593930.